The following is an entry in ClinVar:

ClinVar aggregate classification (germline): Pathogenic. Review status: criteria provided, multiple submitters, no conflicts (2 of 4 stars). 3 submissions from 3 submitters: Pathogenic (3). Last evaluated 2023-08-07.
ClinVar aggregate classification (oncogenicity): Likely oncogenic (1 of 4 stars; one submission).

Conditions:
Hereditary cancer-predisposing syndrome. Also called: Hereditary neoplastic syndrome; Tumor predisposition; Neoplastic Syndromes, Hereditary; Hereditary Cancer Syndrome. Identifiers: Orphanet 140162, MedGen C0027672, MeSH D009386, MONDO:0015356.
Neurofibromatosis, type 1 (NF1). Also called: Neurofibromatosis, type I; NEUROFIBROMATOSIS, TYPE I, SOMATIC; Peripheral type neurofibromatosis; VON RECKLINGHAUSEN DISEASE. Identifiers: Orphanet 636, MedGen C0027831, MONDO:0018975, OMIM 162200. Disease mechanism: loss of function.
Neoplasm. Also called: tumor; Neoplasms; Neoplasm (disease). Identifiers: MedGen C0027651, MeSH D009369, MONDO:0005070, HP:0002664.

Submissions (4):

Center for Genomic Medicine, Rigshospitalet, Copenhagen University Hospital
Classification: Likely oncogenic for Neoplasm. Last evaluated: 2025-12-29. Review status: criteria provided, single submitter. Criteria: ClinGen/CGC/VICC Guidelines for Oncogenicity, 2022. Collection method: clinical testing. Allele origin: somatic. Affected: yes.

Labcorp Genetics (formerly Invitae), Labcorp
Classification: Pathogenic for Neurofibromatosis, type 1. Last evaluated: 2023-08-07. Review status: criteria provided, single submitter. Criteria: Invitae Variant Classification Sherloc (09022015). Collection method: clinical testing. Allele origin: germline.
Comment: This variant disrupts the c.1721+1 nucleotide in the NF1 gene. Other variant(s) that disrupt this nucleotide have been determined to be pathogenic (PMID: 18546366, 23913538). This suggests that this nucleotide is clinically significant, and that variants that disrupt this position are likely to be disease-causing. For these reasons, this variant has been classified as Pathogenic. Algorithms developed to predict the effect of sequence changes on RNA splicing suggest that this variant may disrupt the consensus splice site. ClinVar contains an entry for this variant (Variation ID: 428975). Disruption of this splice site has been observed in individual(s) with neurofibromatosis type 1 (NF1) (PMID: 23913538). This variant is not present in population databases (gnomAD no frequency). This sequence change affects a donor splice site in intron 15 of the NF1 gene. It is expected to disrupt RNA splicing. Variants that disrupt the donor or acceptor splice site typically lead to a loss of protein function (PMID: 16199547), and loss-of-function variants in NF1 are known to be pathogenic (PMID: 10712197, 23913538).

Genome-Nilou Lab
Classification: Pathogenic for Neurofibromatosis, type 1. Last evaluated: 2022-03-15. Review status: criteria provided, single submitter. Criteria: ACMG Guidelines, 2015. Collection method: clinical testing. Allele origin: germline. Affected: no.

Ambry Genetics
Classification: Pathogenic for Hereditary cancer-predisposing syndrome. Last evaluated: 2015-09-23. Review status: criteria provided, single submitter. Criteria: Ambry Autosomal Dominant and X-Linked criteria (10/2015). Collection method: clinical testing. Allele origin: germline. Observed: 1 variant allele.
Comment: The c.1721+1G>T intronic pathogenic mutation results from a G to T substitution one nucleotide after coding exon 15 of the NF1 gene.<br /> This mutation was detected in an individual who met NIH diagnostic criteria for NF1 (Sabbagh A, et al.Hum. Mutat. 2013;34(11):1510-8).In addition to the clinical data presented in the literature, since alterations that disrupt the canonical splice donor site are typically deleterious in nature, this alteration is interpreted as a disease-causing mutation (ACMG Recommendations for Standards for Interpretation and Reporting of Sequence Variations. Revision 2007. Genet Med. 2008;10:294).

Literature cited by the submitters: PubMed 23913538 (cited by 3 submitters); PubMed 18546366 (cited by Labcorp Genetics (formerly Invitae), Labcorp); PubMed 16199547 (cited by Labcorp Genetics (formerly Invitae), Labcorp); PubMed 10712197 (cited by Labcorp Genetics (formerly Invitae), Labcorp).

NM_001042492.3(NF1):c.1721+1G>T

Gene: NF1 (neurofibromin 1; plus strand). Cytogenetic location: 17q11.2.
Variant type: single nucleotide variant.
Coding change: c.1721+1G>T on transcript NM_001042492.3 (MANE Select); the canonical splice donor site of the intron after coding-DNA position 1721, G replaced by T.
Molecular consequence: splice donor variant. On other transcripts: missense variant (1).
Genome position (GRCh38, 1-based): chr17:31,221,930, G>T. VCF-style: chr17-31221930-G-T. GRCh37 (hg19) VCF-style: chr17-29548948-G-T.
Other names: c.1722G>T, p.Arg574Ser (NM_001128147.3); c.1721+1G>T (NM_000267.4); short protein forms R574S.
Identifiers: ClinVar variation 428975 (VCV000428975.12), dbSNP rs1131691096, ClinGen allele CA399002392.